The following is an entry in ClinVar:

NM_213595.4(ISCU):c.115-152T>C

Gene: ISCU (iron-sulfur cluster assembly enzyme; plus strand). Cytogenetic location: 12q23.3.
Variant type: single nucleotide variant.
Coding change: c.115-152T>C on transcript NM_213595.4 (MANE Select); 152 bases into the intron before coding-DNA position 115, T replaced by C.
Molecular consequence: intron variant. On other transcripts: missense variant (1), non-coding transcript variant (1).
Genome position (GRCh38, 1-based): chr12:108,564,127, T>C. VCF-style: chr12-108564127-T-C. GRCh37 (hg19) VCF-style: chr12-108957903-T-C.
Other names: c.11T>C, p.Ile4Thr (NM_014301.4); c.115-152T>C (NM_001320042.1, NM_001301140.1, NM_001301141.1); short protein forms I4T.
Identifiers: ClinVar variation 618693 (VCV000618693.9), dbSNP rs781448429, ClinGen allele CA6768753.
Genomic context (GRCh38, chr12:108,564,127, plus strand): 5'-AAATCTGTGAAGTATTGTAGAGGAGACACAAAAGGAATTGGGGGTCACAAATGGTTCTCA[T>C]TGACATGAGTGTAGACCTTTCTACTCAGGTGAAATTTGGTATTTAGTGATTGCCTGCCAG-3'

ClinVar aggregate classification (germline): Uncertain significance (1 of 4 stars; one submission).

Allele frequency attached by ClinVar (database versions not stated): gnomAD exomes below 0.00001 and 0.00001; ExAC 0.00001.

Submission:

ARUP Laboratories, Molecular Genetics and Genomics, ARUP Laboratories
Classification: Uncertain significance. Last evaluated: 2017-07-21. Review status: criteria provided, single submitter. Criteria: ARUP Molecular Germline Variant Investigation Process. Collection method: clinical testing. Allele origin: germline.
Comment: The p.Ile4Thr variant (rs781448429) has not been reported in the medical literature, is not listed in gene-specific variant databases, nor has it been previously identified in our laboratory. It is listed in the Genome Aggregation Database (gnomAD) browser with an overall frequency of 0.0008% (identified in 2 out of 246,252 chromosomes). The isoleucine at codon 4 is weakly conserved considering 13 species (Alamut software v2.9), and computational analyses suggest this variant does not have a significant effect on ISCU protein structure/function (SIFT: tolerated, PolyPhen2: benign, and Mutation Taster: polymorphism). However, based on the available information, the clinical significance of the p.Ile4Thr variant cannot be determined with certainty.